The following is an entry in ClinVar:

ClinVar aggregate classification (germline): Uncertain significance (1 of 4 stars; one submission).

Conditions:
Aicardi-Goutieres syndrome 3. Identifiers: Orphanet 51, MedGen C1835916, MONDO:0012471, OMIM 610329.

gnomAD v4.1: 2 of 1,577,972 alleles (0.00013%); highest among the groups gnomAD compares: Non-Finnish European, 0.00017%; no homozygotes.

Submission:

Labcorp Genetics (formerly Invitae), Labcorp
Classification: Uncertain significance for Aicardi-Goutieres syndrome 3. Last evaluated: 2022-03-11. Review status: criteria provided, single submitter. Criteria: Invitae Variant Classification Sherloc (09022015). Collection method: clinical testing. Allele origin: germline.
Comment: This sequence change replaces alanine, which is neutral and non-polar, with glycine, which is neutral and non-polar, at codon 37 of the RNASEH2C protein (p.Ala37Gly). This variant is not present in population databases (gnomAD no frequency). This variant has not been reported in the literature in individuals affected with RNASEH2C-related conditions. Algorithms developed to predict the effect of missense changes on protein structure and function output the following: SIFT: "Tolerated"; PolyPhen-2: "Benign"; Align-GVGD: "Class C0". The glycine amino acid residue is found in multiple mammalian species, which suggests that this missense change does not adversely affect protein function. In summary, the available evidence is currently insufficient to determine the role of this variant in disease. Therefore, it has been classified as a Variant of Uncertain Significance.

NM_032193.4(RNASEH2C):c.110C>G (p.Ala37Gly)

Genes: RNASEH2C (ribonuclease H2 subunit C; minus strand), LOC130006061 (ATAC-STARR-seq lymphoblastoid silent region 3553; plus strand). Cytogenetic location: 11q13.1.
Variant type: single nucleotide variant.
Coding change: c.110C>G on transcript NM_032193.4 (MANE Select); coding-DNA position 110, C replaced by G.
Protein change: p.Ala37Gly; replaces alanine 37 with glycine.
Molecular consequence: missense variant.
Genome position (GRCh38, 1-based): chr11:65,720,649, G>C on the plus strand (C>G on the coding strand, the complement: RNASEH2C is on the minus strand). VCF-style: chr11-65720649-G-C. GRCh37 (hg19) VCF-style: chr11-65488120-G-C.
Other names: short protein forms A37G.
Identifiers: ClinVar variation 1985578 (VCV001985578.1), dbSNP rs868422955, ClinGen allele CA381299334.